The following continues an entry in ClinVar:

NM_015915.5(ATL1):c.715C>T (p.Arg239Cys)

Gene: ATL1. ClinVar aggregate classification (germline): Pathogenic/Likely pathogenic. Pathogenic (19); Likely pathogenic (2).

Submissions 12 to 25 of 25:

UNC Molecular Genetics  Laboratory, University of North Carolina at Chapel Hill
Classification: Likely pathogenic for Hereditary spastic paraplegia 3A. Last evaluated: 2022-01-25. Review status: criteria provided, single submitter. Criteria: ACMG Guidelines, 2015. Collection method: research. Allele origin: unknown. Observed: 1 variant allele. Study: CSER_NCGENES_2.
Comment: ATL1 c.715C>T p.(Arg239Cys) is predicted to change a single amino acid in the encoded protein from arginine to cysteine. This recurrent variant has been previously reported in multiple individuals with uncomplicated spastic paraplegia (PMIDs 28396731, 20947813, 20932283, 20718791, 11685207, 14607301, 25637064, 26671083, 27084228, 27260292), and was observed to segregate with disease in affected family members (PMID 20947813, 20932283, 20718791). At least one case of de novo occurrence of this variant in an affected individual has been reported in the literature (PMID 25637064). This variant is absent from gnomAD. Functional evidence suggests this variant alters trafficking, localization and GTPase activity of the atlastin-1 protein, which results in disruption of the bone morphogenic protein-linked signaliing pathway in neurons (16537571, 17321752, 20816793, 23079343). This variant is classified as likely pathogenic.

CeGaT Center for Human Genetics Tuebingen
Classification: Pathogenic. Last evaluated: 2021-10-01. Review status: criteria provided, single submitter. Criteria: CeGaT Center For Human Genetics Tuebingen Variant Classification Criteria Version 2. Collection method: clinical testing. Allele origin: germline. Affected: yes. Observed: 4 variant alleles.

Institute of Human Genetics Munich, TUM University Hospital
Classification: Pathogenic for Hereditary spastic paraplegia 3A. Last evaluated: 2020-12-14. Review status: criteria provided, single submitter. Criteria: Classification criteria August 2017. Collection method: clinical testing. Allele origin: de novo. Inheritance: Autosomal dominant inheritance. Affected: yes. Observed: 1 variant allele.

Institute of Medical Genetics and Applied Genomics, University Hospital Tübingen
Classification: Pathogenic. Last evaluated: 2020-10-23. Review status: criteria provided, single submitter. Criteria: ACMG Guidelines, 2015. Collection method: clinical testing. Allele origin: germline. Inheritance: Unknown mechanism. Affected: yes.

Women's Health and Genetics/Laboratory Corporation of America, LabCorp
Classification: Pathogenic for Hereditary spastic paraplegia 3A. Last evaluated: 2019-12-24. Review status: criteria provided, single submitter. Criteria: LabCorp Variant Classification Summary - May 2015. Collection method: clinical testing. Allele origin: germline.
Comment: Variant summary: ATL1 c.715C>T (p.Arg239Cys) results in a non-conservative amino acid change located in the Guanylate-binding domain, N-terminal (IPR015894) of the encoded protein sequence. Three of five in-silico tools predict a damaging effect of the variant on protein function. The variant was absent in 251004 control chromosomes. c.715C>T has been reported in the literature in multiple individuals affected with Spastic paraplegia 3 (Zhao_2001, Novarino_2014). These data indicate that the variant is very likely to be associated with disease. At least one publication reports experimental evidence evaluating an impact on protein function. The most pronounced variant effect results in <10% of normal activity as evidenced by a disruption in BMPRII trafficking to the cell surface cell surface (example, Zhao_2013). Five clinical diagnostic laboratories have submitted clinical-significance assessments for this variant to ClinVar after 2014 without evidence for independent evaluation. All laboratories classified the variant as pathogenic. Based on the evidence outlined above, the variant was classified as pathogenic.

Genome Diagnostics Laboratory, The Hospital for Sick Children
Classification: Pathogenic for Hereditary spastic paraplegia. Last evaluated: 2018-06-01. Review status: criteria provided, single submitter. Criteria: ACMG Guidelines, 2015. Collection method: clinical testing. Allele origin: germline. Affected: yes.

SIB Swiss Institute of Bioinformatics
Classification: Pathogenic for Hereditary spastic paraplegia 3A. Last evaluated: 2018-05-31. Review status: criteria provided, single submitter. Criteria: ACMG Guidelines, 2015. Collection method: curation. Allele origin: unknown.
Comment: This variant is interpreted as a Pathogenic, for Spastic paraplegia 3, autosomal dominant, in Autosomal Dominant manner. The following ACMG Tag(s) were applied: PP1-Strong => PP1 upgraded in strength to Strong (PMID:14607301) (PMID:11685207). PM2 => Absent from controls (or at extremely low frequency if recessive) in Exome Sequencing Project, 1000 Genomes Project, or Exome Aggregation Consortium. PS4-Moderate => Recurrent mutation in independent families (PMID:20932283,11685207,20718791,14607301). PS3-Moderate => PS3 downgraded in strength to Moderate (PMID:17321752).

Baylor Genetics
Classification: Pathogenic for Neuropathy, hereditary sensory, type 1D; Hereditary spastic paraplegia 3A. Last evaluated: 2017-12-31. Review status: criteria provided, single submitter. Criteria: ACMG Guidelines, 2015. Collection method: clinical testing. Allele origin: germline. Affected: yes.

Juno Genomics, Hangzhou Juno Genomics, Inc
Classification: Pathogenic for Hereditary spastic paraplegia 3A. Review status: criteria provided, single submitter. Criteria: ACMG Guidelines, 2015. Collection method: clinical testing. Allele origin: germline. Affected: yes.
Comment: Absent from controls (or at extremely low frequency if recessive) in Genome Aggregation Database.;Missense variant in a gene that has a low rate of benign missense variation.;The prevalence of the variant in affected individuals is significantly increased compared to the prevalence in controls.;Patient's phenotype or family history is highly specific for a disease with a single genetic etiology.;Co-segregation with disease in multiple affected family members.;De novo (both maternity and paternity confirmed) in a patient with the disease and no family history.;Well-established in vitro or in vivo functional studies supportive of a damaging effect on the gene or gene product.

Paris Brain Institute, Inserm - ICM
Classification: Pathogenic for Hereditary spastic paraplegia 3A. Review status: criteria provided, single submitter. Criteria: ACMG Guidelines, 2015. Collection method: clinical testing. Allele origin: unknown. Affected: yes. Observed: 6 variant alleles.

Biochemical Molecular Genetic Laboratory, King Abdulaziz Medical City
Classification: Pathogenic for Hereditary spastic paraplegia 3A. Last evaluated: 2019-01-29. Review status: no assertion criteria provided. Collection method: clinical testing. Allele origin: germline. Affected: yes. Not counted in ClinVar's aggregate classification.

OMIM
Classification: Pathogenic for SPASTIC PARAPLEGIA 3, AUTOSOMAL DOMINANT. Last evaluated: 2006-05-01. Review status: no assertion criteria provided. Collection method: literature only. Allele origin: germline. Not counted in ClinVar's aggregate classification.

GeneReviews
No classification provided. Condition: Hereditary spastic paraplegia 3A. Review status: no classification provided. Collection method: literature only. Allele origin: unknown. Not counted in ClinVar's aggregate classification.

NIHR Bioresource Rare Diseases, University of Cambridge
Classification: Pathogenic for Spastic paraplegia. Review status: no assertion criteria provided. Collection method: research. Allele origin: unknown. Affected: yes. Observed: 1 variant allele. Not counted in ClinVar's aggregate classification.

Literature cited by the submitters: PubMed 14607301 (cited by 3 submitters); PubMed 15517445 (cited by 4 submitters); PubMed 19652243 (cited by 3 submitters); PubMed 25637064 (cited by 4 submitters); PubMed 16537571 (cited by Labcorp Genetics (formerly Invitae), Labcorp and Molecular Genetics, Royal Melbourne Hospital); PubMed 20816793 (cited by 3 submitters); PubMed 23079343 (cited by 4 submitters); PubMed 11685207 (cited by 6 submitters); PubMed 20947813 (cited by 3 submitters); PubMed 24482476 (cited by 3 submitters); PubMed 23233086 (cited by Athena Diagnostics and Baylor Genetics); PubMed 25761634 (cited by Athena Diagnostics and Baylor Genetics); PubMed 31630374 (cited by Athena Diagnostics); PubMed 31216405 (cited by Athena Diagnostics); PubMed 32581362 (cited by Athena Diagnostics and NIHR Bioresource Rare Diseases, University of Cambridge); PubMed 20718791 (cited by 3 submitters); PubMed 20932283 (cited by 3 submitters); PubMed 17321752 (cited by 3 submitters); PubMed 16612642 (cited by Molecular Genetics, Royal Melbourne Hospital and OMIM); PubMed 8252041 (cited by OMIM); PubMed 20862796 (cited by GeneReviews); NCBI Bookshelf NBK45978 (cited by GeneReviews).